The following is an entry in ClinVar:

NM_017570.5(OPLAH):c.2669G>C (p.Gly890Ala)

Gene: OPLAH (5-oxoprolinase, ATP-hydrolysing; minus strand). Cytogenetic location: 8q24.3.
Variant type: single nucleotide variant.
Coding change: c.2669G>C on transcript NM_017570.5 (MANE Select); coding-DNA position 2669, G replaced by C.
Protein change: p.Gly890Ala; replaces glycine 890 with alanine.
Molecular consequence: missense variant.
Genome position (GRCh38, 1-based): chr8:144,054,578, C>G on the plus strand (G>C on the coding strand, the complement: OPLAH is on the minus strand). VCF-style: chr8-144054578-C-G. GRCh37 (hg19) VCF-style: chr8-145109481-C-G.
Other names: short protein forms G890A.
Identifiers: ClinVar variation 650875 (VCV000650875.4), dbSNP rs781927871, ClinGen allele CA372542525.

ClinVar aggregate classification (germline): Uncertain significance (1 of 4 stars; one submission).

Conditions:
5-Oxoprolinase deficiency (OPLAHD). Also called: 5-OXOPROLINURIA DUE TO 5-OXOPROLINASE DEFICIENCY. Identifiers: Orphanet 33572, MedGen C0268525, MONDO:0009825, OMIM 260005, HP:0040142.

Submission:

Labcorp Genetics (formerly Invitae), Labcorp
Classification: Uncertain significance for 5-Oxoprolinase deficiency. Last evaluated: 2018-10-04. Review status: criteria provided, single submitter. Criteria: Invitae Variant Classification Sherloc (09022015). Collection method: clinical testing. Allele origin: germline.
Comment: In summary, the available evidence is currently insufficient to determine the role of this variant in disease. Therefore, it has been classified as a Variant of Uncertain Significance. This sequence change replaces glycine with alanine at codon 890 of the OPLAH protein (p.Gly890Ala). The glycine residue is highly conserved and there is a small physicochemical difference between glycine and alanine. This variant is not present in population databases (ExAC no frequency). This variant has not been reported in the literature in individuals with OPLAH-related disease. Algorithms developed to predict the effect of missense changes on protein structure and function (SIFT, PolyPhen-2, Align-GVGD) all suggest that this variant is likely to be disruptive, but these predictions have not been confirmed by published functional studies and their clinical significance is uncertain.